The following is an entry in ClinVar:

ClinVar aggregate classification (germline): Uncertain significance (1 of 4 stars; one submission).

Allele frequency attached by ClinVar (database versions not stated): gnomAD exomes 0.00001; TOPMed 0.00001.
gnomAD v4.1: 2 of 1,123,993 alleles (0.00018%); highest among the groups gnomAD compares: Admixed American, 0.0028%; no homozygotes.

Submission:

Labcorp Genetics (formerly Invitae), Labcorp
Classification: Uncertain significance. Last evaluated: 2022-11-08. Review status: criteria provided, single submitter. Criteria: Invitae Variant Classification Sherloc (09022015). Collection method: clinical testing. Allele origin: germline.
Comment: In summary, the available evidence is currently insufficient to determine the role of this variant in disease. Therefore, it has been classified as a Variant of Uncertain Significance. Advanced modeling of protein sequence and biophysical properties (such as structural, functional, and spatial information, amino acid conservation, physicochemical variation, residue mobility, and thermodynamic stability) performed at Invitae indicates that this missense variant is not expected to disrupt NYX protein function. This variant has not been reported in the literature in individuals affected with NYX-related conditions. The frequency data for this variant in the population databases is considered unreliable, as metrics indicate poor data quality at this position in the gnomAD database. This sequence change replaces arginine, which is basic and polar, with histidine, which is basic and polar, at codon 75 of the NYX protein (p.Arg75His).

NM_001378477.3(NYX):c.209G>A (p.Arg70His)

Gene: NYX (nyctalopin; plus strand). Cytogenetic location: Xp11.4.
Variant type: single nucleotide variant.
Coding change: c.209G>A on transcript NM_001378477.3 (MANE Select); coding-DNA position 209, G replaced by A.
Protein change: p.Arg70His; replaces arginine 70 with histidine.
Molecular consequence: missense variant.
Genome position (GRCh38, 1-based): chrX:41,473,677, G>A. VCF-style: chrX-41473677-G-A. GRCh37 (hg19) VCF-style: chrX-41332930-G-A.
Other names: c.209G>A, p.Arg70His (NM_022567.3); short protein forms R70H.
Identifiers: ClinVar variation 3001413 (VCV003001413.3), dbSNP rs1255476959, ClinGen allele CA412989630.